The following is an entry in ClinVar:

ClinVar aggregate classification (germline): Pathogenic (1 of 4 stars; one submission).

Conditions:
Inborn genetic diseases. Identifiers: MedGen C0950123, MeSH D030342.

Submission:

Ambry Genetics
Classification: Pathogenic for Inborn genetic diseases. Last evaluated: 2022-05-12. Review status: criteria provided, single submitter. Criteria: Ambry Variant Classification Scheme 2023. Collection method: clinical testing. Allele origin: germline.
Comment: The c.7303delG (p.A2435Pfs*56) alteration, located in coding exon 7 of the ANKRD11 gene, consists of a deletion of one nucleotide at position 7303, causing a translational frameshift with a predicted alternate stop codon after 56 amino acids. Frameshift alterations are typically deleterious in nature (Richards, 2015). This variant was not reported in population-based cohorts in the Genome Aggregation Database (gnomAD). Based on the available evidence, this alteration is classified as pathogenic.

NM_013275.6(ANKRD11):c.7303del (p.Ala2435fs)

Gene: ANKRD11 (ankyrin repeat domain containing 11; minus strand). Cytogenetic location: 16q24.3.
Variant type: Deletion.
Coding change: c.7303del on transcript NM_013275.6 (MANE Select); coding-DNA position 7303, one base deleted (G; older notation c.7303delG).
Protein change: p.Ala2435fs; shifts the reading frame from alanine 2435.
Molecular consequence: frameshift variant.
Genome position (GRCh38, 1-based): chr16:89,279,239, C deleted on the plus strand (G on the coding strand, the reverse complement: ANKRD11 is on the minus strand); the first of 3 consecutive C bases (chr16:89,279,239-89,279,241); deleting any one gives the same sequence. VCF-style (leftmost placement, unchanged base first): chr16-89279238-GC-G. GRCh37 (hg19) VCF-style: chr16-89345646-GC-G.
Other names: c.7303del, p.Ala2435fs (NM_001256182.2, NM_001256183.2); short protein forms A2435fs.
Identifiers: ClinVar variation 522113 (VCV000522113.5), dbSNP rs1555524870, ClinGen allele CA658798654.
Genomic context (GRCh38, chr16:89,279,238, plus strand): 5'-AGGATCTTGCGCTTCTCCTCGATCTTCTTCCTGATCTGCAGGTATTCGAAGTAGGGGTTG[GC>G]CCTGTCGCTGTGGTAGGGCTCGATGGCATCCAGCTTGATGGCGTCCACGATGGCGGCCAG-3'